The following is an entry in ClinVar:

ClinVar aggregate classification (germline): Pathogenic/Likely pathogenic. Review status: criteria provided, multiple submitters, no conflicts (2 of 4 stars). 2 submissions from 2 submitters: Pathogenic (1); Likely pathogenic (1). Last evaluated 2026-03-16.

Conditions:
Bardet-Biedl syndrome 14 (BBS14). Identifiers: Orphanet 110, MedGen C2673874, MONDO:0014442, OMIM 615991.
Retinal disorder. Also called: Retinopathy; Retinopathies; Retinal Diseases; Retinal disorders. Identifiers: MedGen C0035309, MONDO:0005283, HP:0000488.

Allele frequency attached by ClinVar (database versions not stated): gnomAD exomes below 0.00001.

Submissions (2):

Genetics Laboratory, Great Ormond Street Hospital NHS Foundation Trust, North Thames Genomic Laboratory Hub
Classification: Pathogenic for Retinal disorders. Last evaluated: 2026-03-16. Review status: criteria provided, single submitter. Criteria: ACGS Best Practice Guidelines for Variant Classification in Rare Disease 2024 v1.2. Collection method: clinical testing. Allele origin: germline. Affected: yes.
Comment: PM2_moderate, PVS1_very-strong

Baylor Genetics
Classification: Likely pathogenic for Bardet-Biedl syndrome 14. Last evaluated: 2023-03-11. Review status: criteria provided, single submitter. Criteria: ACMG Guidelines, 2015. Collection method: clinical testing. Allele origin: unknown.

NM_025114.4(CEP290):c.5242del (p.Leu1748fs)

Gene: CEP290 (centrosomal protein 290; minus strand). Cytogenetic location: 12q21.32.
Variant type: Deletion.
Coding change: c.5242del on transcript NM_025114.4 (MANE Select); coding-DNA position 5242, one base deleted (C; older notation c.5242delC).
Protein change: p.Leu1748fs; shifts the reading frame from leucine 1748.
Molecular consequence: frameshift variant.
Genome position (GRCh38, 1-based): chr12:88,079,214, G deleted on the plus strand (C on the coding strand, the reverse complement: CEP290 is on the minus strand). VCF-style (leftmost placement, unchanged base first): chr12-88079213-AG-A. GRCh37 (hg19) VCF-style: chr12-88472990-AG-A.
Other names: short protein forms L1748fs.
Identifiers: ClinVar variation 2680628 (VCV002680628.2), dbSNP rs2499889148, ClinGen allele CA2620105694.